The following is an entry in ClinVar:

ClinVar aggregate classification (germline): Uncertain significance. Review status: criteria provided, multiple submitters, no conflicts (2 of 4 stars). 2 submissions from 2 submitters: Uncertain significance (2). Last evaluated 2025-09-27.

Conditions:
VPS13B-related disorder. Also called: VPS13B-related condition.
Inborn genetic diseases. Identifiers: MedGen C0950123, MeSH D030342.

gnomAD v4.1: 1 of 1,613,254 alleles (0.000062%); highest among the groups gnomAD compares: Non-Finnish European, 0.000085%; no homozygotes.

Submissions (2):

Ambry Genetics
Classification: Uncertain significance for Inborn genetic diseases. Last evaluated: 2025-09-27. Review status: criteria provided, single submitter. Criteria: Ambry Variant Classification Scheme 2023. Collection method: clinical testing. Allele origin: germline.

PreventionGenetics, part of Exact Sciences
Classification: Uncertain significance for VPS13B-related condition. Last evaluated: 2025-01-25. Review status: criteria provided, single submitter. Criteria: ACMG Guidelines, 2015. Collection method: clinical testing. Allele origin: germline.
Comment: The VPS13B c.2389A>G variant is predicted to result in the amino acid substitution p.Thr797Ala. To our knowledge, this variant has not been reported in the literature or in a large population database (gnomAD), indicating this variant is rare. At this time, the clinical significance of this variant is uncertain due to the absence of conclusive functional and genetic evidence.

NM_152564.5(VPS13B):c.2389A>G (p.Thr797Ala)

Gene: VPS13B (vacuolar protein sorting 13 homolog B; plus strand). Cytogenetic location: 8q22.2.
Variant type: single nucleotide variant.
Coding change: c.2389A>G on transcript NM_152564.5 (MANE Select); coding-DNA position 2389, A replaced by G.
Protein change: p.Thr797Ala; replaces threonine 797 with alanine.
Molecular consequence: missense variant.
Genome position (GRCh38, 1-based): chr8:99,192,931, A>G. VCF-style: chr8-99192931-A-G. GRCh37 (hg19) VCF-style: chr8-100205159-A-G.
Other names: c.2389A>G, p.Thr797Ala (NM_015243.3, NM_017890.5); short protein forms T797A.
Identifiers: ClinVar variation 4634419 (VCV004634419.2).